The following is an entry in ClinVar:

NC_000001.10:g.(?_45966005)_(45977106_?)dup

Genes: MMACHC (metabolism of cobalamin associated C; plus strand), PRDX1 (peroxiredoxin 1; minus strand). Cytogenetic location: 1p34.1.
Variant type: Duplication.
Identifiers: ClinVar variation 2426173 (VCV002426173.4).

ClinVar aggregate classification (germline): Uncertain significance (1 of 4 stars; one submission).

Conditions:
Cobalamin C disease. Also called: methylmalonic aciduria and homocystinuria type cblC; Methylmalonic aciduria with homocystinuria cblC type; Cobalamin-C methylmalonic acidemia and homocystinuria; Methylmalonic acidemia and homocystinuria cblC type; Methylmalonic aciduria and homocystinuria, Vitamin B12-responsive; Vitamin B12 metabolic defect with combined deficiency of methylmalonyl-CoA mutase and homocysteine:methyltetrahydrofolate methyltransferase. Identifiers: Orphanet 26, Orphanet 79282, MedGen C1848561, MONDO:0010184, OMIM 277400.

Submission:

Labcorp Genetics (formerly Invitae), Labcorp
Classification: Uncertain significance for Cobalamin C disease. Last evaluated: 2021-12-02. Review status: criteria provided, single submitter. Criteria: Invitae Variant Classification Sherloc (09022015). Collection method: clinical testing. Allele origin: germline.
Comment: A copy number gain of the genomic region encompassing the full coding sequence of the MMACHC gene has been identified. The boundaries of this event are unknown as they extend beyond the assayed region for this gene and therefore may encompass additional genes. As the precise location of this event is unknown, it may be in tandem or it may be located elsewhere in the genome. This variant has not been reported in the literature in individuals affected with MMACHC-related conditions. Experimental studies and prediction algorithms are not available or were not evaluated, and the functional significance of this variant is currently unknown. In summary, the available evidence is currently insufficient to determine the role of this variant in disease. Therefore, it has been classified as a Variant of Uncertain Significance.